The following is an entry in ClinVar:

ClinVar aggregate classification (germline): Uncertain significance (1 of 4 stars; one submission).

Conditions:
Joubert syndrome 18 (JBTS18). Identifiers: Orphanet 2754, MedGen C3553758, MONDO:0013896, OMIM 614815.
Orofacial-digital syndrome IV (OFD4). Also called: BARAITSER-BURN SYNDROME; OFD SYNDROME WITH TIBIAL DEFECTS; OFD SYNDROME, BARAITSER-BURN TYPE; OFDS IV; ORAL-FACIAL-DIGITAL SYNDROME, TYPE IV; MOHR-MAJEWSKI SYNDROME. Identifiers: Orphanet 2753, MedGen C0406727, MONDO:0009794, OMIM 258860.

Submission:

Labcorp Genetics (formerly Invitae), Labcorp
Classification: Uncertain significance for Joubert syndrome 18; Orofacial-digital syndrome IV. Last evaluated: 2022-07-30. Review status: criteria provided, single submitter. Criteria: Invitae Variant Classification Sherloc (09022015). Collection method: clinical testing. Allele origin: germline.
Comment: This sequence change replaces proline, which is neutral and non-polar, with histidine, which is basic and polar, at codon 378 of the TCTN3 protein (p.Pro378His). This variant is not present in population databases (gnomAD no frequency). This variant has not been reported in the literature in individuals affected with TCTN3-related conditions. Algorithms developed to predict the effect of missense changes on protein structure and function (SIFT, PolyPhen-2, Align-GVGD) all suggest that this variant is likely to be tolerated. In summary, the available evidence is currently insufficient to determine the role of this variant in disease. Therefore, it has been classified as a Variant of Uncertain Significance.

NM_015631.6(TCTN3):c.1133C>A (p.Pro378His)

Gene: TCTN3 (tectonic family member 3; minus strand). Cytogenetic location: 10q24.1.
Variant type: single nucleotide variant.
Coding change: c.1133C>A on transcript NM_015631.6 (MANE Select); coding-DNA position 1133, C replaced by A.
Protein change: p.Pro378His; replaces proline 378 with histidine.
Molecular consequence: missense variant.
Genome position (GRCh38, 1-based): chr10:95,683,592, G>T on the plus strand (C>A on the coding strand, the complement: TCTN3 is on the minus strand). VCF-style: chr10-95683592-G-T. GRCh37 (hg19) VCF-style: chr10-97443349-G-T.
Other names: c.1187C>A, p.Pro396His (NM_001013840.1); c.689C>A, p.Pro230His (NM_001143973.2); c.1052C>A, p.Pro351His (NM_001410982.1); short protein forms P230H, P351H, P378H, P396H.
Identifiers: ClinVar variation 1714436 (VCV001714436.5), dbSNP rs2492744980, ClinGen allele CA377704540.